The following is an entry in ClinVar:

NM_025137.4(SPG11):c.6382C>G (p.Leu2128Val)

Gene: SPG11 (SPG11 vesicle trafficking associated, spatacsin; minus strand). Cytogenetic location: 15q21.1.
Variant type: single nucleotide variant.
Coding change: c.6382C>G on transcript NM_025137.4 (MANE Select); coding-DNA position 6382, C replaced by G.
Protein change: p.Leu2128Val; replaces leucine 2128 with valine.
Molecular consequence: missense variant.
Genome position (GRCh38, 1-based): chr15:44,570,620, G>C on the plus strand (C>G on the coding strand, the complement: SPG11 is on the minus strand). VCF-style: chr15-44570620-G-C. GRCh37 (hg19) VCF-style: chr15-44862818-G-C.
Other names: c.6043C>G, p.Leu2015Val (NM_001160227.2); short protein forms L2015V, L2128V.
Identifiers: ClinVar variation 954890 (VCV000954890.8), dbSNP rs1302560163, ClinGen allele CA392216427.

ClinVar aggregate classification (germline): Uncertain significance. Review status: criteria provided, multiple submitters, no conflicts (2 of 4 stars). 2 submissions from 2 submitters: Uncertain significance (2). Last evaluated 2021-08-28.

Conditions:
Hereditary spastic paraplegia 11. Also called: SPASTIC PARAPLEGIA, AUTOSOMAL RECESSIVE, COMPLICATED, WITH THIN CORPUS CALLOSUM; SPASTIC PARAPLEGIA, AUTOSOMAL RECESSIVE, WITH MENTAL IMPAIRMENT AND THIN CORPUS CALLOSUM; Spastic Paraplegia 11; Nakamura Osame syndrome; Autosomal recessive hereditary spastic paraplegia, mental impairment, and thin corpus callosum; Spastic paraplegia, mental retardation and thin corpus callosum. Identifiers: Orphanet 2822, MedGen C1858479, MONDO:0011445, OMIM 604360.
Inborn genetic diseases. Identifiers: MedGen C0950123, MeSH D030342.

Allele frequency attached by ClinVar (database versions not stated): TOPMed 0.00001.
gnomAD v4.1: 2 of 1,614,126 alleles (0.00012%); highest among the groups gnomAD compares: Non-Finnish European, 0.00017%; no homozygotes.

Submissions (2):

Labcorp Genetics (formerly Invitae), Labcorp
Classification: Uncertain significance for Hereditary spastic paraplegia 11. Last evaluated: 2021-08-28. Review status: criteria provided, single submitter. Criteria: Invitae Variant Classification Sherloc (09022015). Collection method: clinical testing. Allele origin: germline.
Comment: This sequence change replaces leucine with valine at codon 2128 of the SPG11 protein (p.Leu2128Val). The leucine residue is moderately conserved and there is a small physicochemical difference between leucine and valine. This variant is not present in population databases (ExAC no frequency). This variant has not been reported in the literature in individuals affected with SPG11-related conditions. Algorithms developed to predict the effect of missense changes on protein structure and function (SIFT, PolyPhen-2, Align-GVGD) all suggest that this variant is likely to be tolerated. In summary, the available evidence is currently insufficient to determine the role of this variant in disease. Therefore, it has been classified as a Variant of Uncertain Significance.

Ambry Genetics
Classification: Uncertain significance for Inborn genetic diseases. Last evaluated: 2021-08-15. Review status: criteria provided, single submitter. Criteria: Ambry Variant Classification Scheme 2023. Collection method: clinical testing. Allele origin: germline.
Comment: The p.L2128V variant (also known as c.6382C>G), located in coding exon 34 of the SPG11 gene, results from a C to G substitution at nucleotide position 6382. The leucine at codon 2128 is replaced by valine, an amino acid with highly similar properties. This amino acid position is conserved. In addition, this alteration is predicted to be tolerated by in silico analysis. Since supporting evidence is limited at this time, the clinical significance of this alteration remains unclear.